The following is an entry in ClinVar:

ClinVar aggregate classification (germline): Uncertain significance. Review status: criteria provided, multiple submitters, no conflicts (2 of 4 stars). 2 submissions from 2 submitters: Uncertain significance (2). Last evaluated 2024-11-11.

Conditions:
Inborn genetic diseases. Identifiers: MedGen C0950123, MeSH D030342.
Immunodeficiency 35 (IMD35). Also called: HIES WITH ATYPICAL MYCOBACTERIOSIS, AUTOSOMAL RECESSIVE; HYPER-IgE SYNDROME WITH ATYPICAL MYCOBACTERIOSIS, AUTOSOMAL RECESSIVE; TYK2 DEFICIENCY; Susceptibility to infection due to TYK2 deficiency. Identifiers: Orphanet 331226, MedGen C1969086, MONDO:0012682, OMIM 611521.

Allele frequency attached by ClinVar (database versions not stated): ExAC 0.00001; TOPMed 0.00001; gnomAD 0.00002; gnomAD exomes 0.00002.
gnomAD v4.1: 28 of 1,613,930 alleles (0.0017%); highest among the groups gnomAD compares: Non-Finnish European, 0.0024%; no homozygotes.

Submissions (2):

Labcorp Genetics (formerly Invitae), Labcorp
Classification: Uncertain significance for Immunodeficiency 35. Last evaluated: 2024-11-11. Review status: criteria provided, single submitter. Criteria: Invitae Variant Classification Sherloc (09022015). Collection method: clinical testing. Allele origin: germline.
Comment: This sequence change replaces isoleucine, which is neutral and non-polar, with threonine, which is neutral and polar, at codon 948 of the TYK2 protein (p.Ile948Thr). The frequency data for this variant in the population databases is considered unreliable, as metrics indicate poor data quality at this position in the gnomAD database. This variant has not been reported in the literature in individuals affected with TYK2-related conditions. ClinVar contains an entry for this variant (Variation ID: 2060278). Invitae Evidence Modeling of protein sequence and biophysical properties (such as structural, functional, and spatial information, amino acid conservation, physicochemical variation, residue mobility, and thermodynamic stability) indicates that this missense variant is not expected to disrupt TYK2 protein function with a negative predictive value of 80%. In summary, the available evidence is currently insufficient to determine the role of this variant in disease. Therefore, it has been classified as a Variant of Uncertain Significance.

Ambry Genetics
Classification: Uncertain significance for Inborn genetic diseases. Last evaluated: 2023-05-24. Review status: criteria provided, single submitter. Criteria: Ambry Variant Classification Scheme 2023. Collection method: clinical testing. Allele origin: germline.

NM_003331.5(TYK2):c.2843T>C (p.Ile948Thr)

Gene: TYK2 (tyrosine kinase 2; minus strand). Cytogenetic location: 19p13.2.
Variant type: single nucleotide variant.
Coding change: c.2843T>C on transcript NM_003331.5 (MANE Select); coding-DNA position 2843, T replaced by C.
Protein change: p.Ile948Thr; replaces isoleucine 948 with threonine.
Molecular consequence: missense variant.
Genome position (GRCh38, 1-based): chr19:10,354,107, A>G on the plus strand (T>C on the coding strand, the complement: TYK2 is on the minus strand). VCF-style: chr19-10354107-A-G. GRCh37 (hg19) VCF-style: chr19-10464783-A-G.
Other names: c.2843T>C, p.Ile948Thr (NM_001385197.1, NM_001385198.1, NM_001406461.1); c.2657T>C, p.Ile886Thr (NM_001385199.1); c.2840T>C, p.Ile947Thr (NM_001385200.1); c.2645T>C, p.Ile882Thr (NM_001385201.1); c.2759T>C, p.Ile920Thr (NM_001385202.1); c.2924T>C, p.Ile975Thr (NM_001385203.1); c.3053T>C, p.Ile1018Thr (NM_001385204.1); c.2753T>C, p.Ile918Thr (NM_001385205.1); and 2 more; short protein forms I1018T, I918T, I920T, I942T, I947T, I948T, I906T, I882T.
Identifiers: ClinVar variation 2060278 (VCV002060278.6), dbSNP rs754351041, ClinGen allele CA9192913.